The following is an entry in ClinVar:

NM_001009944.3(PKD1):c.921del (p.Phe307fs)

Gene: PKD1 (polycystin 1, transient receptor potential channel interacting; minus strand). Cytogenetic location: 16p13.3.
Variant type: Deletion.
Coding change: c.921del on transcript NM_001009944.3 (MANE Select); coding-DNA position 921, one base deleted (C; older notation c.921delC).
Protein change: p.Phe307fs; shifts the reading frame from phenylalanine 307.
Molecular consequence: frameshift variant.
Genome position (GRCh38, 1-based): chr16:2,118,071, G deleted on the plus strand (C on the coding strand, the reverse complement: PKD1 is on the minus strand). VCF-style (leftmost placement, unchanged base first): chr16-2118070-CG-C. GRCh37 (hg19) VCF-style: chr16-2168071-CG-C.
Other names: c.921del, p.Phe307fs (NM_000296.4); short protein forms F307fs.
Identifiers: ClinVar variation 3382209 (VCV003382209.2).
Genomic context (GRCh38, chr16:2,118,070, plus strand): 5'-GCAGCACATAGCGATGCGAGGCAGCCGGCCCAGCGGCATCCACCTCGGCGGAGCCGTCTC[CG>C]AAGTCCCAGCGTGTGGCAGTGACAGGGAGCGGGGCAGCGATGTGGAAGGCTGCTAGCTGG-3'

ClinVar aggregate classification (germline): Pathogenic (1 of 4 stars; one submission).

Conditions:
Polycystic kidney disease, adult type (PKD1). Also called: POLYCYSTIC KIDNEY DISEASE, ADULT, TYPE I; Polycystic Kidney Disease 1, Autosomal Dominant; Polycystic kidney disease 1; Polycystic kidney disease 1, severe; Polycystic Kidney, Autosomal Dominant; POLYCYSTIC KIDNEY DISEASE 1 WITH OR WITHOUT POLYCYSTIC LIVER DISEASE. Identifiers: MedGen C3149841, MONDO:0008263, OMIM 173900.

Submission:

Juno Genomics, Hangzhou Juno Genomics, Inc
Classification: Pathogenic for Polycystic kidney disease, adult type. Review status: criteria provided, single submitter. Criteria: ACMG Guidelines, 2015. Collection method: clinical testing. Allele origin: germline. Affected: yes.
Comment: Absent from controls (or at extremely low frequency if recessive) in Genome Aggregation Database, Exome Sequencing Project, 1000 Genomes Project, or Exome Aggregation Consortium.;Null variant in a gene where loss of function (LOF) is a known mechanism of disease.;Patient's phenotype or family history is highly specific for a disease with a single genetic etiology.